The following is an entry in ClinVar:

ClinVar aggregate classification (germline): Pathogenic. Review status: criteria provided, multiple submitters, no conflicts (2 of 4 stars). 16 submissions from 16 submitters: Pathogenic (13). 3 of the submissions do not count toward it. Last evaluated 2026-03-31.

Conditions:
PALB2-related disorder. Also called: PALB2-related disorders; PALB2-related condition.
Breast-ovarian cancer, familial, susceptibility to, 5 (BROVCA5). Identifiers: MedGen C5830615, MONDO:0957530, OMIM 620442.
Hereditary cancer-predisposing syndrome. Also called: Neoplastic Syndromes, Hereditary; Tumor predisposition; Hereditary neoplastic syndrome; Hereditary Cancer Syndrome. Identifiers: Orphanet 140162, MedGen C0027672, MeSH D009386, MONDO:0015356.
Familial cancer of breast. Also called: Hereditary breast cancer; hereditary breast carcinoma; BREAST CANCER, FAMILIAL. Identifiers: Orphanet 227535, MedGen C0346153, MONDO:0016419, OMIM 114480. Disease mechanism: loss of function.

Submissions (16):

Dasa
Classification: Pathogenic for Breast-ovarian cancer, familial, susceptibility to, 5. Last evaluated: 2026-03-31. Review status: criteria provided, single submitter. Criteria: DASA Assertion Criteria. Collection method: clinical testing. Allele origin: germline.
Comment: NM_024675.4(PALB2):c.1037_1041del (p.Lys346Thrfs*13) introduces a premature termination codon predicted to result in loss of normal protein function. Loss-of-function is an established mechanism of disease for this gene. The variant is present at low frequency in population datasets. Based on the available data, this variant is classified as pathogenic.

Labcorp Genetics (formerly Invitae), Labcorp
Classification: Pathogenic for Familial cancer of breast. Last evaluated: 2026-02-01. Review status: criteria provided, single submitter. Criteria: Invitae Variant Classification Sherloc (09022015). Collection method: clinical testing. Allele origin: germline.
Comment: This sequence change creates a premature translational stop signal (p.Lys346Thrfs*13) in the PALB2 gene. It is expected to result in an absent or disrupted protein product. Loss-of-function variants in PALB2 are known to be pathogenic (PMID: 17200668, 17200671, 17200672, 24136930, 25099575). This variant is not present in population databases (gnomAD no frequency). This premature translational stop signal has been observed in individual(s) with breast cancer (PMID: 23977390, 24556926, 25099575). ClinVar contains an entry for this variant (Variation ID: 141527). For these reasons, this variant has been classified as Pathogenic.

PreventionGenetics, part of Exact Sciences
Classification: Pathogenic for PALB2-related condition. Last evaluated: 2025-11-14. Review status: criteria provided, single submitter. Criteria: ACMG Guidelines, 2015. Collection method: clinical testing. Allele origin: germline.
Comment: The PALB2 c.1037_1041del5 variant is predicted to result in a frameshift and premature protein termination (p.Lys346Thrfs*13). This variant has been reported many times in individuals with breast cancer (Phuah et al. 2013. PubMed ID: 23977390; Lee et al. 2018. PubMed ID: 29431189; reported as c.1035_1039del in Supplemental Table in Petridis et al. 2019. PubMed ID: 31263054; Supporting Table 2 in Zhou et al. 2020. PubMed ID: 32339256). This variant has not been reported in a large population database (gnomad), and is interpreted as pathogenic in ClinVar (Variation ID: 141527). Frameshift variants in PALB2 are expected to be pathogenic. This variant is interpreted as pathogenic.

Ambry Genetics
Classification: Pathogenic for Hereditary cancer-predisposing syndrome. Last evaluated: 2024-10-31. Review status: criteria provided, single submitter. Criteria: Ambry Variant Classification Scheme 2023. Collection method: clinical testing. Allele origin: germline.
Comment: The c.1037_1041delAAGAA pathogenic mutation, located in coding exon 4 of the PALB2 gene, results from a deletion of 5 nucleotides between positions 1037 and 1041, causing a translational frameshift with a predicted alternate stop codon (p.K346Tfs*13). This mutation has been detected in breast cancer cohorts (Phuah SY et al. PLoS ONE 2013 Aug;(8):e73638; Catucci I et al. Genet. Med. 2014 Sep;16(9):688-94; Lee JEA et al. J. Pathol. 2018 May;245(1):53-60; Dorling et al. N Engl J Med. 2021 02;384:428-439; Ng PS et al. J Med Genet, 2021 Apr;:). This variant is considered to be rare based on population cohorts in the Genome Aggregation Database (gnomAD). In addition to the clinical data presented in the literature, this alteration is expected to result in loss of function by premature protein truncation or nonsense-mediated mRNA decay. As such, this alteration is interpreted as a disease-causing mutation.

GeneDx
Classification: Pathogenic. Last evaluated: 2023-11-21. Review status: criteria provided, single submitter. Criteria: GeneDx Variant Classification Process June 2021. Collection method: clinical testing. Allele origin: germline. Affected: yes.
Comment: Frameshift variant predicted to result in protein truncation or nonsense mediated decay in a gene for which loss-of-function is a known mechanism of disease; Observed in individuals with a personal or family history consistent with pathogenic variants in this gene (PMID: 23977390, 25099575, 31054147, 32339256, 33811135); Truncating variants in this gene are considered pathogenic by a well-established clinical consortium and/or database; Not observed at significant frequency in large population cohorts (gnomAD); This variant is associated with the following publications: (PMID: 23977390, 25099575, 24556926, 34308104, 35273153, 29431189, 31054147, 24763289, 32339256, 31263054, 29522266, 28135048, 33471991, 33193564, 31428676, 30287823, 33811135)

Baylor Genetics
Classification: Pathogenic for Familial cancer of breast. Last evaluated: 2023-10-18. Review status: criteria provided, single submitter. Criteria: ACMG Guidelines, 2015. Collection method: clinical testing. Allele origin: unknown.

Department of Pathology and Laboratory Medicine, Sinai Health System
Classification: Pathogenic for Breast-ovarian cancer, familial, susceptibility to, 5. Last evaluated: 2023-08-16. Review status: criteria provided, single submitter. Criteria: ACMG Guidelines, 2015. Collection method: clinical testing. Allele origin: germline. Affected: yes.

Myriad Genetics, Inc.
Classification: Pathogenic for Familial cancer of breast. Last evaluated: 2023-03-31. Review status: criteria provided, single submitter. Criteria: Myriad Autosomal Dominant, Autosomal Recessive and X-Linked Classification Criteria (2023). Collection method: clinical testing. Allele origin: unknown.
Comment: This variant is considered pathogenic. This variant creates a frameshift predicted to result in premature protein truncation.

Color Diagnostics, LLC DBA Color Health
Classification: Pathogenic for Hereditary cancer-predisposing syndrome. Last evaluated: 2023-03-06. Review status: criteria provided, single submitter. Criteria: ACMG Guidelines, 2015. Collection method: clinical testing. Allele origin: germline.
Comment: This variant deletes 5 nucleotides in exon 4 of the PALB2 gene, creating a frameshift and premature translation stop signal. This variant is expected to result in an absent or non-functional protein product. This variant has been reported in individuals affected with breast cancer (PMID: 23977390, 24556926, 25099575). This variant has not been identified in the general population by the Genome Aggregation Database (gnomAD). Loss of PALB2 function is a known mechanism of disease. Based on the available evidence, this variant is classified as Pathogenic.

Quest Diagnostics Nichols Institute San Juan Capistrano
Classification: Pathogenic. Last evaluated: 2022-05-10. Review status: criteria provided, single submitter. Criteria: Quest Diagnostics criteria. Collection method: clinical testing. Allele origin: unknown.
Comment: This frameshift variant alters the translational reading frame of the PALB2 mRNA and causes the premature termination of PALB2 protein synthesis. In the published literature, this variant has been reported in individuals with breast cancer (PMIDs: 23977390 (2013), 24556926 (2014), 30128536 (2018), 29431189 (2018), 31428676 (2019), 32339256 (2020), 33471991 (2021), see also LOVD). It has not been reported in large, multi-ethnic general populations. Based on the available information, this variant is classified as pathogenic.

Revvity Omics, Revvity
Classification: Pathogenic. Last evaluated: 2019-06-05. Review status: criteria provided, single submitter. Criteria: ACMG Guidelines, 2015. Collection method: clinical testing. Allele origin: germline.

Women's Health and Genetics/Laboratory Corporation of America, LabCorp
Classification: Pathogenic for Familial cancer of breast. Last evaluated: 2018-07-13. Review status: criteria provided, single submitter. Criteria: LabCorp Variant Classification Summary - May 2015. Collection method: clinical testing. Allele origin: germline.
Comment: Variant summary: PALB2 c.1037_1041delAAGAA (p.Lys346ThrfsX13) results in a premature termination codon, predicted to cause a truncation of the encoded protein or absence of the protein due to nonsense mediated decay, which are commonly known mechanisms for disease. Truncations downstream of this position have been classified as pathogenic by our laboratory (eg. p.Arg414X, p.Leu484X, p.Met723fsX21). The variant was absent in 124948 control chromosomes. c.1037_1041delAAGAA has been reported in the literature in multiple individuals affected with Hereditary Breast and Ovarian Cancer (Phuah_2013; Antoniou_2014; Liu_2017; Lee_2018). These data indicate that the variant is very likely to be associated with disease. To our knowledge, no experimental evidence demonstrating an impact on protein function has been reported. Five clinical diagnostic laboratories have submitted clinical-significance assessments for this variant to ClinVar after 2014 without evidence for independent evaluation. All laboratories classified the variant as pathogenic/likely pathogenic. Based on the evidence outlined above, the variant was classified as pathogenic.

Juno Genomics, Hangzhou Juno Genomics, Inc
Classification: Pathogenic for Breast-ovarian cancer, familial, susceptibility to, 5. Review status: criteria provided, single submitter. Criteria: ACMG Guidelines, 2015. Collection method: clinical testing. Allele origin: germline.
Comment: Null variant in a gene where loss of function (LOF) is a known mechanism of disease.;The prevalence of the variant in affected individuals is significantly increased compared to the prevalence in controls.

Leiden Open Variation Database
Classification: Pathogenic for Familial cancer of breast. Last evaluated: 2019-05-13. Review status: no assertion criteria provided. Collection method: curation. Allele origin: germline. Affected: yes. Not counted in ClinVar's aggregate classification.
Comment: Curators: Marc Tischkowitz, Arleen D. Auerbach. Submitter to LOVD: Marc Tischkowitz.

Counsyl
Classification: Pathogenic for Familial cancer of breast. Last evaluated: 2016-11-11. Review status: no assertion criteria provided. Collection method: clinical testing. Allele origin: unknown. Not counted in ClinVar's aggregate classification.

SNPedia
Classification: Pathogenic. Review status: no assertion criteria provided. Collection method: not provided. Allele origin: germline. Not counted in ClinVar's aggregate classification.
ClinVar note: Converted during submission from pathogenic to Pathogenic.

Literature cited by the submitters: PubMed 17200668 (cited by Labcorp Genetics (formerly Invitae), Labcorp); PubMed 17200671 (cited by Labcorp Genetics (formerly Invitae), Labcorp); PubMed 17200672 (cited by Labcorp Genetics (formerly Invitae), Labcorp); PubMed 24136930 (cited by Labcorp Genetics (formerly Invitae), Labcorp); PubMed 25099575 (cited by 7 submitters); PubMed 23977390 (cited by 8 submitters); PubMed 24556926 (cited by 8 submitters); PubMed 28135048 (cited by Ambry Genetics); PubMed 29431189 (cited by Ambry Genetics and Quest Diagnostics Nichols Institute San Juan Capistrano); PubMed 29522266 (cited by Ambry Genetics and Department of Pathology and Laboratory Medicine, Sinai Health System); PubMed 30287823 (cited by Ambry Genetics); PubMed 31054147 (cited by Ambry Genetics and Quest Diagnostics Nichols Institute San Juan Capistrano); PubMed 31428676 (cited by 3 submitters); PubMed 32339256 (cited by Ambry Genetics and Quest Diagnostics Nichols Institute San Juan Capistrano); PubMed 33193564 (cited by Ambry Genetics); PubMed 33471991 (cited by Ambry Genetics and Quest Diagnostics Nichols Institute San Juan Capistrano); PubMed 33811135 (cited by Ambry Genetics and Department of Pathology and Laboratory Medicine, Sinai Health System); PubMed 24763289 (cited by Quest Diagnostics Nichols Institute San Juan Capistrano and Counsyl); PubMed 30128536 (cited by Quest Diagnostics Nichols Institute San Juan Capistrano); PubMed 31263054 (cited by Quest Diagnostics Nichols Institute San Juan Capistrano).

NM_024675.4(PALB2):c.1037_1041del (p.Lys346fs)

Gene: PALB2 (partner and localizer of BRCA2; minus strand). Cytogenetic location: 16p12.2.
Variant type: Deletion.
Coding change: c.1037_1041del on transcript NM_024675.4 (MANE Select); coding-DNA positions 1037 to 1041, 5 bases deleted (AAGAA; older notation c.1037_1041delAAGAA).
Protein change: p.Lys346fs; shifts the reading frame from lysine 346.
Molecular consequence: frameshift variant.
Genome position (GRCh38, 1-based): chr16:23,635,505-23,635,509, TTCTT deleted on the plus strand (AAGAA on the coding strand, the reverse complement: PALB2 is on the minus strand); deleting any 5 consecutive bases within chr16:23,635,505-23,635,511 gives the same sequence; the c. name uses the placement nearest the transcript's 3' end. VCF-style (leftmost placement, unchanged base first): chr16-23635504-GTTCTT-G. GRCh37 (hg19) VCF-style: chr16-23646825-GTTCTT-G.
Other names: c.1037_1041delAAGAA (NM_024675.3).
Identifiers: ClinVar variation 141527 (VCV000141527.48), dbSNP rs587776410, ClinGen allele CA165692.